The following is an entry in ClinVar:

NM_001177316.2(SLC34A3):c.1700C>T (p.Thr567Ile)

Gene: SLC34A3 (solute carrier family 34 member 3; plus strand). Cytogenetic location: 9q34.3.
Variant type: single nucleotide variant.
Coding change: c.1700C>T on transcript NM_001177316.2 (MANE Select); coding-DNA position 1700, C replaced by T.
Protein change: p.Thr567Ile; replaces threonine 567 with isoleucine.
Molecular consequence: missense variant.
Genome position (GRCh38, 1-based): chr9:137,236,316, C>T. VCF-style: chr9-137236316-C-T. GRCh37 (hg19) VCF-style: chr9-140130768-C-T.
Other names: p.Thr567Ile; c.1700C>T, p.Thr567Ile (NM_001177317.2, NM_080877.3); short protein forms T567I.
Identifiers: ClinVar variation 2683094 (VCV002683094.1), dbSNP rs1385236417, ClinGen allele CA375742011.

ClinVar aggregate classification (germline): Uncertain significance (1 of 4 stars; one submission).

Allele frequency attached by ClinVar (database versions not stated): TOPMed 0.00001.

Submission:

Mayo Clinic Laboratories, Mayo Clinic
Classification: Uncertain significance. Last evaluated: 2023-03-28. Review status: criteria provided, single submitter. Criteria: ACMG Guidelines, 2015. Collection method: clinical testing. Allele origin: germline. Observed: 1 variant allele.
Comment: BP4, PM2_supporting